The following is an entry in ClinVar:

NM_170707.4(LMNA):c.810G>A (p.Lys270=)

Gene: LMNA (lamin A/C; plus strand). Cytogenetic location: 1q22.
Variant type: single nucleotide variant.
Coding change: c.810G>A on transcript NM_170707.4 (MANE Select); coding-DNA position 810, G replaced by A.
Protein change: p.Lys270=; no amino-acid change (lysine 270 retained).
Molecular consequence: synonymous variant.
Genome position (GRCh38, 1-based): chr1:156,134,975, G>A. VCF-style: chr1-156134975-G-A. GRCh37 (hg19) VCF-style: chr1-156104766-G-A.
Other names: c.474G>A, p.Lys158= (NM_001257374.3); c.567G>A, p.Lys189= (NM_001282624.2); c.810G>A, p.Lys270= (NM_001282625.2, NM_001282626.2, NM_005572.4 and 1 more transcripts).
Identifiers: ClinVar variation 66942 (VCV000066942.5), dbSNP rs267607631, ClinGen allele CA018713.
Genomic context (GRCh38, chr1:156,134,975, plus strand): 5'-CCAGCATGAGGACCAGGTGGAGCAGTATAAGAAGGAGCTGGAGAAGACTTATTCTGCCAA[G>A]GTGCTTGCTCTCGATTGGTTCCCTCACTGCCTCTGCCCTTGGCAGCCCTACCCTTACCCA-3'
Protein context (NP_733821.1, residues 260-280): KKELEKTYSA[Lys270=]LDNARQSAER

ClinVar aggregate classification (germline): Conflicting classifications of pathogenicity. Review status: criteria provided, conflicting classifications (1 of 4 stars). 4 submissions from 4 submitters: Pathogenic (1); Likely pathogenic (1); Uncertain significance (1). 1 of the submissions does not count toward it. Last evaluated 2026-01-23.

Conditions:
Emery-Dreifuss muscular dystrophy 2, autosomal dominant (EDMD2). Also called: HAUPTMANN-THANNHAUSER MUSCULAR DYSTROPHY; MUSCULAR DYSTROPHY WITH EARLY CONTRACTURES AND CARDIOMYOPATHY, AUTOSOMAL DOMINANT; SCAPULOILIOPERONEAL ATROPHY WITH CARDIOPATHY; Limb-girdle muscular dystrophy, type 1B; Muscular dystrophy, proximal, type 1B; Benign scapuloperoneal muscular dystrophy with cardiomyopathy. Identifiers: Orphanet 261, Orphanet 264, MedGen C0410190, MONDO:0021569, OMIM 181350.
Charcot-Marie-Tooth disease type 2. Also called: Charcot-Marie-Tooth type 2. Identifiers: Orphanet 64746, MedGen C0270914, MONDO:0018993.
LMNA-related disorder. Also called: LMNA-related condition; LMNA-related disease; LMNA-related disorders. Identifiers: MedGen CN380145.

Submissions (4):

3billion
Classification: Likely pathogenic for Emery-Dreifuss muscular dystrophy 2, autosomal dominant. Last evaluated: 2026-01-23. Review status: criteria provided, single submitter. Criteria: ACMG Guidelines, 2015. Collection method: clinical testing. Allele origin: germline. Affected: yes.
Comment: The variant is not observed in the gnomAD v4.1.0 dataset. Predicted Consequence/Location: Synonymous variant In silico tools predict the variant to alter splicing and produce an abnormal transcript [SpliceAI: 0.86 (>=0.2, moderate evidence for spliceogenicity)]. The variant has been previously reported as assumed (i.e. paternity and maternity not confirmed) de novo in at least one similarly affected unrelated individual (PMID: 32880476). The variant has been reported to be associated with LMNA-related disorder (PMID: 20848652, 32880476). Therefore, this variant is classified as Likely pathogenic according to the recommendation of ACMG/AMP guideline.

Labcorp Genetics (formerly Invitae), Labcorp
Classification: Uncertain significance for Charcot-Marie-Tooth disease type 2. Last evaluated: 2024-06-13. Review status: criteria provided, single submitter. Criteria: Invitae Variant Classification Sherloc (09022015). Collection method: clinical testing. Allele origin: germline.
Comment: This sequence change affects codon 270 of the LMNA mRNA. It is a 'silent' change, meaning that it does not change the encoded amino acid sequence of the LMNA protein. This variant also falls at the last nucleotide of exon 4, which is part of the consensus splice site for this exon. This variant is not present in population databases (gnomAD no frequency). This variant has been observed in individual(s) with clinical features of arrhythmogenic cardiomyopathy and/or limb-girdle muscular dystrophy (PMID: 20848652, 32880476). ClinVar contains an entry for this variant (Variation ID: 66942). Variants that disrupt the consensus splice site are a relatively common cause of aberrant splicing (PMID: 17576681, 9536098). Algorithms developed to predict the effect of sequence changes on RNA splicing suggest that this variant may disrupt the consensus splice site. In summary, the available evidence is currently insufficient to determine the role of this variant in disease. Therefore, it has been classified as a Variant of Uncertain Significance.

Blueprint Genetics
Classification: Pathogenic for LMNA-related disorders. Last evaluated: 2021-05-05. Review status: criteria provided, single submitter. Criteria: ACMG Guidelines, 2015. Collection method: clinical testing. Allele origin: germline. Affected: yes. Observed: 1 variant allele.

Epithelial Biology;  Institute of Medical Biology, Singapore
No classification provided. Review status: no classification provided. Collection method: not provided. Allele origin: not provided. Not counted in ClinVar's aggregate classification.

Literature cited by the submitters: PubMed 32880476 (cited by 3billion and Labcorp Genetics (formerly Invitae), Labcorp); PubMed 20848652 (cited by 3billion and Labcorp Genetics (formerly Invitae), Labcorp); PubMed 17576681 (cited by Labcorp Genetics (formerly Invitae), Labcorp); PubMed 9536098 (cited by Labcorp Genetics (formerly Invitae), Labcorp).